The following is an entry in ClinVar:

ClinVar aggregate classification (germline): Uncertain significance. Review status: criteria provided, multiple submitters, no conflicts (2 of 4 stars). 3 submissions from 3 submitters: Uncertain significance (3). Last evaluated 2025-05-29.

Allele frequency attached by ClinVar (database versions not stated): ExAC 0.00001; gnomAD exomes 0.00001.
gnomAD v4.1: 5 of 1,614,194 alleles (0.00031%); highest among the groups gnomAD compares: Non-Finnish European, 0.00042%; no homozygotes.

Submissions (3):

Ambry Genetics
Classification: Uncertain significance. Last evaluated: 2025-05-29. Review status: criteria provided, single submitter. Criteria: Ambry Variant Classification Scheme 2023. Collection method: clinical testing. Allele origin: germline.

CeGaT Center for Human Genetics Tuebingen
Classification: Uncertain significance. Last evaluated: 2025-04-01. Review status: criteria provided, single submitter. Criteria: CeGaT Center For Human Genetics Tuebingen Variant Classification Criteria Version 2. Collection method: clinical testing. Allele origin: germline. Affected: yes. Observed: 1 variant allele.
Comment: MTMR14: PP3

Labcorp Genetics (formerly Invitae), Labcorp
Classification: Uncertain significance. Last evaluated: 2022-08-07. Review status: criteria provided, single submitter. Criteria: Invitae Variant Classification Sherloc (09022015). Collection method: clinical testing. Allele origin: germline.
Comment: This sequence change replaces arginine, which is basic and polar, with histidine, which is basic and polar, at codon 238 of the MTMR14 protein (p.Arg238His). This variant is present in population databases (rs745913718, gnomAD 0.0009%). This variant has not been reported in the literature in individuals affected with MTMR14-related conditions. Algorithms developed to predict the effect of missense changes on protein structure and function are either unavailable or do not agree on the potential impact of this missense change (SIFT: "Tolerated"; PolyPhen-2: "Probably Damaging"; Align-GVGD: "Class C0"). In summary, the available evidence is currently insufficient to determine the role of this variant in disease. Therefore, it has been classified as a Variant of Uncertain Significance.

NM_001077525.3(MTMR14):c.713G>A (p.Arg238His)

Gene: MTMR14 (myotubularin related protein 14; plus strand). Cytogenetic location: 3p25.3.
Variant type: single nucleotide variant.
Coding change: c.713G>A on transcript NM_001077525.3 (MANE Select); coding-DNA position 713, G replaced by A.
Protein change: p.Arg238His; replaces arginine 238 with histidine.
Molecular consequence: missense variant. On other transcripts: 5 prime UTR variant (4), non-coding transcript variant (9).
Genome position (GRCh38, 1-based): chr3:9,672,720, G>A. VCF-style: chr3-9672720-G-A. GRCh37 (hg19) VCF-style: chr3-9714404-G-A.
Other names: c.713G>A, p.Arg238His (NM_001400528.1, NM_001077526.3, NM_001400520.1 and 2 more transcripts); c.431G>A, p.Arg144His (NM_001400529.1, NM_001400532.1, NM_001400537.1 and 1 more transcripts); c.467G>A, p.Arg156His (NM_001400530.1, NM_001400536.1, NM_001400524.1 and 1 more transcripts); c.464G>A, p.Arg155His (NM_001400531.1); c.71G>A, p.Arg24His (NM_001400533.1, NM_001400534.1, NM_001400535.1 and 9 more transcripts); c.782G>A, p.Arg261His (NM_001400518.1, NM_001400521.1, NM_001400526.1); c.710G>A, p.Arg237His (NM_001400519.1, NM_001400522.1); c.-3G>A (NM_001400544.1, NM_001400547.1, NM_001400548.1 and 1 more transcripts); and 1 more; short protein forms R24H, R155H, R144H, R156H, R237H, R238H, R261H.
Identifiers: ClinVar variation 2067503 (VCV002067503.12), dbSNP rs745913718, ClinGen allele CA2240415.